The following is an entry in ClinVar:

ClinVar aggregate classification (germline): Uncertain significance (1 of 4 stars; one submission).

Conditions:
Neuropathy, hereditary sensory and autonomic, type 2A (HSAN2A). Also called: HSAN IIA; MORVAN DISEASE; NEUROPATHY, CONGENITAL SENSORY; NEUROPATHY, HEREDITARY SENSORY RADICULAR, AUTOSOMAL RECESSIVE; NEUROPATHY, HEREDITARY SENSORY, TYPE IIA; NEUROPATHY, PROGRESSIVE SENSORY, OF CHILDREN. Identifiers: Orphanet 970, MedGen C2752089, MONDO:0024309, OMIM 201300.
Generalized epilepsy with febrile seizures plus, type 7 (GEFSP7). Also called: GEFS+, TYPE 7. Identifiers: Orphanet 36387, MedGen C2751778, MONDO:0013470, OMIM 613863.

Allele frequency attached by ClinVar (database versions not stated): gnomAD exomes below 0.00001.

Submission:

Labcorp Genetics (formerly Invitae), Labcorp
Classification: Uncertain significance for Neuropathy, hereditary sensory and autonomic, type 2A; Generalized epilepsy with febrile seizures plus, type 7. Last evaluated: 2020-02-14. Review status: criteria provided, single submitter. Criteria: Invitae Variant Classification Sherloc (09022015). Collection method: clinical testing. Allele origin: germline.
Comment: In summary, the available evidence is currently insufficient to determine the role of this variant in disease. Therefore, it has been classified as a Variant of Uncertain Significance. Algorithms developed to predict the effect of missense changes on protein structure and function (SIFT, PolyPhen-2, Align-GVGD) all suggest that this variant is likely to be tolerated, but these predictions have not been confirmed by published functional studies and their clinical significance is uncertain. This variant has not been reported in the literature in individuals with SCN9A-related disease. This variant is not present in population databases (ExAC no frequency). This sequence change replaces asparagine with aspartic acid at codon 1265 of the SCN9A protein (p.Asn1265Asp). The asparagine residue is highly conserved and there is a small physicochemical difference between asparagine and aspartic acid.

NM_001365536.1(SCN9A):c.3826A>G (p.Asn1276Asp)

Genes: SCN1A-AS1 (SCN1A and SCN9A antisense RNA 1; plus strand), SCN9A (sodium voltage-gated channel alpha subunit 9; minus strand). Cytogenetic location: 2q24.3.
Variant type: single nucleotide variant.
Coding change: c.3826A>G on transcript NM_001365536.1 (MANE Select); coding-DNA position 3826, A replaced by G.
Protein change: p.Asn1276Asp; replaces asparagine 1276 with aspartic acid.
Molecular consequence: missense variant.
Genome position (GRCh38, 1-based): chr2:166,233,438, T>C on the plus strand (A>G on the coding strand, the complement: SCN9A is on the minus strand). VCF-style: chr2-166233438-T-C. GRCh37 (hg19) VCF-style: chr2-167089948-T-C.
Other names: c.3793A>G, p.Asn1265Asp (NM_002977.4); short protein forms N1265D, N1276D.
Identifiers: ClinVar variation 1022413 (VCV001022413.9), dbSNP rs1695183254, ClinGen allele CA349066664.
Genomic context (GRCh38, chr2:166,233,438, plus strand): 5'-TTAAAGCTCTCAGTGTCCGAAGGGATTTAATGGGGCCAAGATCTGAGTAGCCAAGAGTGT[T>C]TGCCACTAAAGTAACCAAAGAAACCTATAAAAATAACATTTTCATTAATTGTGTCAATAA-3'
Protein context (NP_001352465.1, residues 1266-1286): VDVSLVTLVA[Asn1276Asp]TLGYSDLGPI